The following is an entry in ClinVar:

ClinVar aggregate classification (germline): Uncertain significance (1 of 4 stars; one submission).

Submission:

GeneDx
Classification: Uncertain significance. Last evaluated: 2025-06-03. Review status: criteria provided, single submitter. Criteria: GeneDx Variant Classification Process June 2021. Collection method: clinical testing. Allele origin: germline. Affected: yes.
Comment: Not observed at significant frequency in large population cohorts (gnomAD); In silico analysis supports that this missense variant has a deleterious effect on protein structure/function; Has not been previously published as pathogenic or benign to our knowledge

NM_001029896.2(WDR45):c.43A>G (p.Asn15Asp)

Genes: WDR45 (WD repeat domain 45; minus strand), LOC126863256 (BRD4-independent group 4 enhancer GRCh37_chrX:48934848-48936047; plus strand). Cytogenetic location: Xp11.23.
Variant type: single nucleotide variant.
Coding change: c.43A>G on transcript NM_001029896.2 (MANE Select); coding-DNA position 43, A replaced by G.
Protein change: p.Asn15Asp; replaces asparagine 15 with aspartic acid.
Molecular consequence: missense variant.
Genome position (GRCh38, 1-based): chrX:49,078,053, T>C on the plus strand (A>G on the coding strand, the complement: WDR45 is on the minus strand). VCF-style: chrX-49078053-T-C. GRCh37 (hg19) VCF-style: chrX-48935712-T-C.
Other names: c.43A>G, p.Asn15Asp (NM_007075.4); short protein forms N15D.
Identifiers: ClinVar variation 4536545 (VCV004536545.1).